The following is an entry in ClinVar:

GRCh37/hg19 16p13.11(chr16:14927857-15375547)x3

Genes: NOMO1 (NODAL modulator 1), NPIPA1 (nuclear pore complex interacting protein family member A1; plus strand), NTAN1 (N-terminal asparagine amidase), PDXDC1 (pyridoxal dependent decarboxylase domain containing 1), RRN3 (RRN3 homolog, RNA polymerase I transcription factor). Cytogenetic location: 16p13.11.
Variant type: copy number gain.
Change: copy number 3 (three copies instead of two) of chr16:14,927,857-15,375,547 (447.7 kb, GRCh37 coordinates, 1-based), cytogenetic band 16p13.11.
Identifiers: ClinVar variation 815802 (VCV000815802.2).

ClinVar aggregate classification (germline): Likely pathogenic (1 of 4 stars; one submission).

Submission:

Quest Diagnostics Nichols Institute San Juan Capistrano
Classification: Likely pathogenic. Last evaluated: 2021-12-21. Review status: criteria provided, single submitter. Criteria: ACMG/ClinGen CNV Guidelines, 2019. Collection method: clinical testing. Allele origin: unknown.
Comment: The 16p13.11 gain involves multiple genes and is a recurrent genomic imbalance. It confers susceptibility to a range of neurodevelopmental disorders including autism spectrum disorder, developmental delay, intellectual disability, and speech delay. Additionally, increased risk for cardiovascular disease has been noted (Allach El Khattabi et al., J Med Genet. 2018 Oct 4. Pii: jmedgenet-2018-105389. PMID: 30287593). The clinical significance of this recurrent duplication has been debated, because similar duplications are repeatedly observed in uncharacterized controls and in unaffected relatives (Ullmann R et al., Hum Mutat. 2007 Jul;28(7):674-82.PMID: 17480035; Hannes FD et al., J Med Genet. 2009 Apr;46(4):223-32. PMID: 18550696). However, the duplication is enriched in patients versus controls in multiple case-control studies (Kendall et al. Br J Psychiatry. 2019 May;214(5):297-304. PMID: 30767844; Coe et al., Nat Genet. 2014 Oct;46(10):1063-71., PMID: 25217958; Girirajan et al., N Engl J Med. 2012 Oct 4;367(14):1321-31., PMID: 22970919), with some exceptions (Kaminsky et al., Genet Med. 2011 Sep;13(9):777-84., PMID: 21844811). A male-biased effect on the penetrance of the neurodevelopmental phenotypes has been reported (Tropeano M et al., PLoS One. 2013 Apr 18;8(4):e61365.; PMID: 23637818). Thus, the clinical significance of this copy number variant (CNV) is likely pathogenic. Please note: because of variable phenotypic expressivity, incomplete penetrance, and occurrence in control populations, it i best interpreted as a susceptibility locus.